The following is an entry in ClinVar:

ClinVar aggregate classification (germline): Uncertain significance (1 of 4 stars; one submission).

Conditions:
Hereditary cancer-predisposing syndrome. Also called: Hereditary neoplastic syndrome; Neoplastic Syndromes, Hereditary; Hereditary Cancer Syndrome; Tumor predisposition. Identifiers: Orphanet 140162, MedGen C0027672, MeSH D009386, MONDO:0015356.

gnomAD v4.1: 1 of 1,576,306 alleles (0.000063%); highest among the groups gnomAD compares: Non-Finnish European, 0.000087%; no homozygotes.

Submission:

Labcorp Genetics (formerly Invitae), Labcorp
Classification: Uncertain significance for Hereditary cancer-predisposing syndrome. Last evaluated: 2024-06-17. Review status: criteria provided, single submitter. Criteria: Invitae Variant Classification Sherloc (09022015). Collection method: clinical testing. Allele origin: germline.
Comment: This sequence change falls in intron 15 of the RAD50 gene. It does not directly change the encoded amino acid sequence of the RAD50 protein. This variant is not present in population databases (gnomAD no frequency). This variant has not been reported in the literature in individuals affected with RAD50-related conditions. ClinVar contains an entry for this variant (Variation ID: 1484765). Algorithms developed to predict the effect of sequence changes on RNA splicing suggest that this variant may disrupt the consensus splice site. In summary, the available evidence is currently insufficient to determine the role of this variant in disease. Therefore, it has been classified as a Variant of Uncertain Significance.

NM_005732.4(RAD50):c.2525-16A>G

Gene: RAD50 (RAD50 double strand break repair protein; plus strand). Cytogenetic location: 5q31.1.
Variant type: single nucleotide variant.
Coding change: c.2525-16A>G on transcript NM_005732.4 (MANE Select); 16 bases into the intron before coding-DNA position 2525, A replaced by G.
Molecular consequence: intron variant.
Genome position (GRCh38, 1-based): chr5:132,604,790, A>G. VCF-style: chr5-132604790-A-G. GRCh37 (hg19) VCF-style: chr5-131940482-A-G.
Identifiers: ClinVar variation 1484765 (VCV001484765.8), dbSNP rs1204782492, ClinGen allele CA804009088.